The following is an entry in ClinVar:

NM_000059.4(BRCA2):c.11G>A (p.Gly4Glu)

Gene: BRCA2 (BRCA2 DNA repair associated; plus strand). Cytogenetic location: 13q13.1.
Variant type: single nucleotide variant.
Coding change: c.11G>A on transcript NM_000059.4 (MANE Select); coding-DNA position 11, G replaced by A.
Protein change: p.Gly4Glu; replaces glycine 4 with glutamic acid.
Molecular consequence: missense variant.
Genome position (GRCh38, 1-based): chr13:32,316,471, G>A. VCF-style: chr13-32316471-G-A. GRCh37 (hg19) VCF-style: chr13-32890608-G-A.
Other names: short protein forms G4E.
Identifiers: ClinVar variation 141953 (VCV000141953.13), dbSNP rs587782137, ClinGen allele CA011142.
Genomic context (GRCh38, chr13:32,316,471, plus strand): 5'-CTGTTTTGCAGACTTATTTACCAAGCATTGGAGGAATATCGTAGGTAAAAATGCCTATTG[G>A]ATCCAAAGAGAGGCCAACATTTTTTGAAATTTTTAAGACACGCTGCAACAAAGCAGGTAT-3'
Protein context (NP_000050.3, residues 1-14): MPI[Gly4Glu]SKERPTFFEI

ClinVar aggregate classification (germline): Conflicting classifications of pathogenicity. Review status: criteria provided, conflicting classifications (1 of 4 stars). 2 submissions from 2 submitters: Uncertain significance (1); Likely benign (1). Last evaluated 2017-07-12.

Conditions:
Hereditary cancer-predisposing syndrome. Also called: Neoplastic Syndromes, Hereditary; Tumor predisposition; Hereditary Cancer Syndrome; Hereditary neoplastic syndrome. Identifiers: Orphanet 140162, MedGen C0027672, MeSH D009386, MONDO:0015356.
Hereditary breast ovarian cancer syndrome. Also called: Breast and ovarian cancer; Hereditary breast and ovarian cancer; Hereditary breast and/or ovarian cancer syndrome; BRCA1- and BRCA2-Associated Hereditary Breast and Ovarian Cancer; Hereditary breast and ovarian cancer syndrome; Hereditary breast and ovarian cancer syndrome (HBOC). Identifiers: Orphanet 145, MedGen C0677776, MeSH D061325, MONDO:0003582. Disease mechanism: loss of function.

Allele frequency attached by ClinVar (database versions not stated): TOPMed 0.00002.
gnomAD v4.1: 1 of 1,613,770 alleles (0.000062%); highest among the groups gnomAD compares: Admixed American, 0.0017%; no homozygotes.

Submissions (2):

Labcorp Genetics (formerly Invitae), Labcorp
Classification: Uncertain significance for Hereditary breast ovarian cancer syndrome. Last evaluated: 2017-07-12. Review status: criteria provided, single submitter. Criteria: Invitae Variant Classification Sherloc (09022015). Collection method: clinical testing. Allele origin: germline.
Comment: This sequence change replaces glycine with glutamic acid at codon 4 of the BRCA2 protein (p.Gly4Glu). The glycine residue is moderately conserved and there is a moderate physicochemical difference between glycine and glutamic acid. In summary, the available evidence is currently insufficient to determine the role of this variant in disease. Therefore, it has been classified as a Variant of Uncertain Significance. Algorithms developed to predict the effect of missense changes on protein structure and function output the following: SIFT: "Tolerated"; PolyPhen-2: "Probably Damaging"; Align-GVGD: "Class C0". The glutamic acid amino acid residue is found in multiple mammalian species, suggesting that this missense change does not adversely affect protein function. These predictions have not been confirmed by published functional studies and their clinical significance is uncertain. This variant has not been reported in the literature in individuals with BRCA2-related disease. ClinVar contains an entry for this variant (Variation ID: 141953). This variant is not present in population databases (ExAC no frequency).

Ambry Genetics
Classification: Likely benign for Hereditary cancer-predisposing syndrome. Last evaluated: 2016-01-29. Review status: criteria provided, single submitter. Criteria: Ambry Variant Classification Scheme 2023. Collection method: clinical testing. Allele origin: germline.